The following is an entry in ClinVar:

ClinVar aggregate classification (germline): Uncertain significance (1 of 4 stars; one submission).

Conditions:
Familial adenomatous polyposis 1 (FAP1). Also called: FAMILIAL ADENOMATOUS POLYPOSIS 1, ATTENUATED; POLYPOSIS, ADENOMATOUS INTESTINAL. Identifiers: MedGen C2713442, MONDO:0021056, OMIM 175100. Disease mechanism: loss of function.

Submission:

Labcorp Genetics (formerly Invitae), Labcorp
Classification: Uncertain significance for Familial adenomatous polyposis 1. Last evaluated: 2025-02-07. Review status: criteria provided, single submitter. Criteria: Invitae Variant Classification Sherloc (09022015). Collection method: clinical testing. Allele origin: germline.
Comment: This sequence change replaces threonine, which is neutral and polar, with lysine, which is basic and polar, at codon 1023 of the APC protein (p.Thr1023Lys). This variant is not present in population databases (gnomAD no frequency). This variant has not been reported in the literature in individuals affected with APC-related conditions. Invitae Evidence Modeling of protein sequence and biophysical properties (such as structural, functional, and spatial information, amino acid conservation, physicochemical variation, residue mobility, and thermodynamic stability) indicates that this missense variant is not expected to disrupt APC protein function with a negative predictive value of 95%. In summary, the available evidence is currently insufficient to determine the role of this variant in disease. Therefore, it has been classified as a Variant of Uncertain Significance.

NM_000038.6(APC):c.3068C>A (p.Thr1023Lys)

Gene: APC (APC regulator of Wnt signaling pathway; plus strand). Cytogenetic location: 5q22.2.
Variant type: single nucleotide variant.
Coding change: c.3068C>A on transcript NM_000038.6 (MANE Select); coding-DNA position 3068, C replaced by A.
Protein change: p.Thr1023Lys; replaces threonine 1023 with lysine.
Molecular consequence: missense variant. On other transcripts: non-coding transcript variant (2).
Genome position (GRCh38, 1-based): chr5:112,838,662, C>A. VCF-style: chr5-112838662-C-A. GRCh37 (hg19) VCF-style: chr5-112174359-C-A.
Other names: c.3152C>A, p.Thr1051Lys (NM_001407446.1); c.3122C>A, p.Thr1041Lys (NM_001407447.1, NM_001407448.1, NM_001407449.1 and 1 more transcripts); c.2690C>A, p.Thr897Lys (NM_001354904.2); c.3068C>A, p.Thr1023Lys (NM_001407450.1, NM_001127510.3, NM_001354895.2); c.2588C>A, p.Thr863Lys (NM_001354905.2); c.2219C>A, p.Thr740Lys (NM_001354906.2, NM_001407470.1); c.3014C>A, p.Thr1005Lys (NM_001127511.3); c.3098C>A, p.Thr1033Lys (NM_001354897.2); and 11 more; short protein forms T1005K, T1013K, T1016K, T1023K, T1033K, T1041K, T1051K, T639K.
Identifiers: ClinVar variation 4801460 (VCV004801460.1).